The following is an entry in ClinVar:

ClinVar aggregate classification (germline): Uncertain significance (1 of 4 stars; one submission).

gnomAD v4.1: 1 of 1,614,126 alleles (0.000062%); highest among the groups gnomAD compares: Non-Finnish European, 0.000085%; no homozygotes.

Submission:

Labcorp Genetics (formerly Invitae), Labcorp
Classification: Uncertain significance. Last evaluated: 2026-02-02. Review status: criteria provided, single submitter. Criteria: Invitae Variant Classification Sherloc (09022015). Collection method: clinical testing. Allele origin: germline.
Comment: This sequence change replaces alanine, which is neutral and non-polar, with glycine, which is neutral and non-polar, at codon 218 of the KLHDC8B protein (p.Ala218Gly). This variant is not present in population databases (gnomAD no frequency). This variant has not been reported in the literature in individuals affected with KLHDC8B-related conditions. An algorithm developed to predict the effect of missense changes on protein structure and function (PolyPhen-2) suggests that this variant is likely to be disruptive. In summary, the available evidence is currently insufficient to determine the role of this variant in disease. Therefore, it has been classified as a Variant of Uncertain Significance.

NM_173546.3(KLHDC8B):c.653C>G (p.Ala218Gly)

Gene: KLHDC8B (kelch domain containing 8B; plus strand). Cytogenetic location: 3p21.31.
Variant type: single nucleotide variant.
Coding change: c.653C>G on transcript NM_173546.3 (MANE Select); coding-DNA position 653, C replaced by G.
Protein change: p.Ala218Gly; replaces alanine 218 with glycine.
Molecular consequence: missense variant.
Genome position (GRCh38, 1-based): chr3:49,174,853, C>G. VCF-style: chr3-49174853-C-G. GRCh37 (hg19) VCF-style: chr3-49212286-C-G.
Other names: short protein forms A218G.
Identifiers: ClinVar variation 4753140 (VCV004753140.1).